The following is an entry in ClinVar:

NM_000051.4(ATM):c.8774G>A (p.Gly2925Asp)

Genes: ATM (ATM serine/threonine kinase; plus strand), C11orf65 (chromosome 11 open reading frame 65; minus strand). Cytogenetic location: 11q22.3.
Variant type: single nucleotide variant.
Coding change: c.8774G>A on transcript NM_000051.4 (MANE Select); coding-DNA position 8774, G replaced by A.
Protein change: p.Gly2925Asp; replaces glycine 2925 with aspartic acid.
Molecular consequence: missense variant. On other transcripts: intron variant (2).
Genome position (GRCh38, 1-based): chr11:108,353,868, G>A. VCF-style: chr11-108353868-G-A. GRCh37 (hg19) VCF-style: chr11-108224595-G-A.
Other names: c.8774G>A, p.Gly2925Asp (NM_001351834.2); c.640+32052C>T (NM_001330368.2); c.695-18576C>T (NM_001351110.2); short protein forms G2925D.
Identifiers: ClinVar variation 577975 (VCV000577975.13), dbSNP rs769959260, ClinGen allele CA6266437.

ClinVar aggregate classification (germline): Conflicting classifications of pathogenicity. Review status: criteria provided, conflicting classifications (1 of 4 stars). 5 submissions from 5 submitters: Likely pathogenic (1); Uncertain significance (3). 1 of the submissions does not count toward it. Last evaluated 2026-07-27.

Conditions:
Hereditary cancer-predisposing syndrome. Also called: Hereditary Cancer Syndrome; Neoplastic Syndromes, Hereditary; Tumor predisposition; Hereditary neoplastic syndrome. Identifiers: Orphanet 140162, MedGen C0027672, MeSH D009386, MONDO:0015356.
Ataxia-telangiectasia syndrome (AT). Also called: Cerebello-oculocutaneous telangiectasia; Immunodeficiency with ataxia telangiectasia; Ataxia-telangiectasia, complementation group E; Ataxia-telangiectasia, complementation group D; AT, COMPLEMENTATION GROUP C; ATAXIA-TELANGIECTASIA, COMPLEMENTATION GROUP A. Identifiers: Orphanet 100, MedGen C0004135, MONDO:0008840, OMIM 208900.
Familial cancer of breast. Also called: BREAST CANCER, FAMILIAL; Hereditary breast cancer; hereditary breast carcinoma. Identifiers: Orphanet 227535, MedGen C0346153, MONDO:0016419, OMIM 114480. Disease mechanism: loss of function.

Allele frequency attached by ClinVar (database versions not stated): ExAC 0.00001.
gnomAD v4.1: 1 of 1,612,804 alleles (0.000062%); highest among the groups gnomAD compares: Non-Finnish European, 0.000085%; no homozygotes.

Submissions (5):

Myriad Genetics, Inc.
Classification: Likely pathogenic for Familial cancer of breast. Last evaluated: 2026-07-27. Review status: criteria provided, single submitter. Criteria: Myriad Autosomal Dominant, Autosomal Recessive and X-Linked Classification Criteria (2023). Collection method: clinical testing. Allele origin: unknown.
Comment: This variant is considered likely pathogenic. This variant has been reported in an individual with clinical features of gene-specific disease [PMID: 37438524]. Functional studies indicate this variant impacts protein function [PMID: 40580951]. This variant is expected to disrupt protein structure [Myriad internal data].

Labcorp Genetics (formerly Invitae), Labcorp
Classification: Uncertain significance for Ataxia-telangiectasia syndrome. Last evaluated: 2024-04-15. Review status: criteria provided, single submitter. Criteria: Invitae Variant Classification Sherloc (09022015). Collection method: clinical testing. Allele origin: germline.
Comment: This sequence change replaces glycine, which is neutral and non-polar, with aspartic acid, which is acidic and polar, at codon 2925 of the ATM protein (p.Gly2925Asp). This variant is not present in population databases (gnomAD no frequency). This variant has not been reported in the literature in individuals affected with ATM-related conditions. This missense change has been observed to co-occur in individuals with a different variant in ATM that has been determined to be pathogenic (Invitae), but the significance of this finding is unclear. ClinVar contains an entry for this variant (Variation ID: 577975). An algorithm developed to predict the effect of missense changes on protein structure and function (PolyPhen-2) suggests that this variant is likely to be disruptive. In summary, the available evidence is currently insufficient to determine the role of this variant in disease. Therefore, it has been classified as a Variant of Uncertain Significance.

Ambry Genetics
Classification: Uncertain significance for Hereditary cancer-predisposing syndrome. Last evaluated: 2023-07-22. Review status: criteria provided, single submitter. Criteria: Ambry Variant Classification Scheme 2023. Collection method: clinical testing. Allele origin: germline.
Comment: The p.G2925D variant (also known as c.8774G>A), located in coding exon 59 of the ATM gene, results from a G to A substitution at nucleotide position 8774. The glycine at codon 2925 is replaced by aspartic acid, an amino acid with similar properties. This amino acid position is highly conserved in available vertebrate species. In addition, this alteration is predicted to be deleterious by in silico analysis. Since supporting evidence is limited at this time, the clinical significance of this alteration remains unclear.

Neuberg Centre For Genomic Medicine, NCGM
Classification: Uncertain significance for Ataxia-telangiectasia syndrome. Review status: criteria provided, single submitter. Criteria: ACMG Guidelines, 2015. Collection method: clinical testing. Allele origin: germline. Inheritance: Autosomal recessive inheritance. Affected: yes.
Comment: The observed missense c.8774G>Ap.Gly2925Asp variant in ATM gene has not been reported previously as a pathogenic variant nor a benign variant, to our knowledge. The p.Gly2925Asp variant is absent in gnomAD Exomes. This variant has been submitted to the ClinVar database as Uncertain Significance. Multiple lines of computational evidences Polyphen - Probably damaging, SIFT - Damaging and MutationTaster - Disease causing predict a damaging effect on protein structure and function for this variant. The reference amino acid change at this position on ATM gene is predicted as conserved by GERP++ and PhyloP across 100 vertebrates. The amino acid Gly at position 2925 is changed to a Asp changing protein sequence and it might alter its composition and physico-chemical properties. For these reasons, this variant has been classified as a Variant of Uncertain Significance VUS.

Natera, Inc.
Classification: Uncertain significance for Ataxia-telangiectasia. Last evaluated: 2020-09-16. Review status: no assertion criteria provided. Collection method: clinical testing. Allele origin: germline. Not counted in ClinVar's aggregate classification.

Literature cited by the submitters: PubMed 37438524 (cited by Myriad Genetics, Inc.); PubMed 40580951 (cited by Myriad Genetics, Inc.).